The following is an entry in ClinVar:

NM_152564.5(VPS13B):c.1774C>T (p.His592Tyr)

Gene: VPS13B (vacuolar protein sorting 13 homolog B; plus strand). Cytogenetic location: 8q22.2.
Variant type: single nucleotide variant.
Coding change: c.1774C>T on transcript NM_152564.5 (MANE Select); coding-DNA position 1774, C replaced by T.
Protein change: p.His592Tyr; replaces histidine 592 with tyrosine.
Molecular consequence: missense variant.
Genome position (GRCh38, 1-based): chr8:99,143,096, C>T. VCF-style: chr8-99143096-C-T. GRCh37 (hg19) VCF-style: chr8-100155324-C-T.
Other names: c.1774C>T, p.His592Tyr (NM_015243.3, NM_017890.5); c.1774C>T (NM_152564.4); short protein forms H592Y.
Identifiers: ClinVar variation 663979 (VCV000663979.14), dbSNP rs1588083628, ClinGen allele CA371864045.

ClinVar aggregate classification (germline): Uncertain significance. Review status: criteria provided, multiple submitters, no conflicts (2 of 4 stars). 4 submissions from 4 submitters: Uncertain significance (3). 1 of the submissions does not count toward it. Last evaluated 2025-03-19.

Conditions:
VPS13B-related disorder. Also called: VPS13B-related condition.
Cohen syndrome (COH1). Also called: Cutis verticis gyrata, retinitis pigmentosa, and sensorineural deafness; PEPPER SYNDROME. Identifiers: Orphanet 193, MedGen C0265223, MONDO:0008999, OMIM 216550.

Allele frequency attached by ClinVar (database versions not stated): gnomAD exomes below 0.00001.
gnomAD v4.1: 2 of 1,613,998 alleles (0.00012%); highest among the groups gnomAD compares: Middle Eastern, 0.017%; no homozygotes.

Submissions (4):

PreventionGenetics, part of Exact Sciences
Classification: Uncertain significance for VPS13B-related condition. Last evaluated: 2025-03-19. Review status: criteria provided, single submitter. Criteria: ACMG Guidelines, 2015. Collection method: clinical testing. Allele origin: germline.
Comment: The VPS13B c.1774C>T variant is predicted to result in the amino acid substitution p.His592Tyr. To our knowledge, this variant has not been reported in the literature or in a large population database (gnomAD), indicating this variant is rare. At this time, the clinical significance of this variant is uncertain due to the absence of conclusive functional and genetic evidence.

Genome-Nilou Lab
Classification: Uncertain significance for Cohen syndrome. Last evaluated: 2021-07-22. Review status: criteria provided, single submitter. Criteria: ACMG Guidelines, 2015. Collection method: clinical testing. Allele origin: germline. Affected: no.

Labcorp Genetics (formerly Invitae), Labcorp
Classification: Uncertain significance for Cohen syndrome. Last evaluated: 2018-07-12. Review status: criteria provided, single submitter. Criteria: Invitae Variant Classification Sherloc (09022015). Collection method: clinical testing. Allele origin: germline.
Comment: This sequence change replaces histidine with tyrosine at codon 592 of the VPS13B protein (p.His592Tyr). The histidine residue is weakly conserved and there is a moderate physicochemical difference between histidine and tyrosine. This variant is not present in population databases (ExAC no frequency). This variant has not been reported in the literature in individuals with VPS13B-related disease. Algorithms developed to predict the effect of missense changes on protein structure and function are either unavailable or do not agree on the potential impact of this missense change (SIFT: "Deleterious"; PolyPhen-2: "Benign"; Align-GVGD: "Class C0"). In summary, the available evidence is currently insufficient to determine the role of this variant in disease. Therefore, it has been classified as a Variant of Uncertain Significance.

Natera, Inc.
Classification: Uncertain significance for Cohen syndrome. Last evaluated: 2021-06-29. Review status: no assertion criteria provided. Collection method: clinical testing. Allele origin: germline. Not counted in ClinVar's aggregate classification.